The following is an entry in ClinVar:

NM_003458.4(BSN):c.9158del (p.Gln3053fs)

Gene: BSN (bassoon presynaptic cytomatrix protein; plus strand). Cytogenetic location: 3p21.31.
Variant type: Deletion.
Coding change: c.9158del on transcript NM_003458.4 (MANE Select); coding-DNA position 9158, one base deleted (A; older notation c.9158delA).
Protein change: p.Gln3053fs; shifts the reading frame from glutamine 3053.
Molecular consequence: frameshift variant.
Genome position (GRCh38, 1-based): chr3:49,661,003, A deleted. VCF-style (leftmost placement, unchanged base first): chr3-49661002-CA-C. GRCh37 (hg19) VCF-style: chr3-49698435-CA-C.
Other names: short protein forms Q3053fs.
Identifiers: ClinVar variation 5009951 (VCV005009951.1).

ClinVar aggregate classification (germline): Uncertain significance (1 of 4 stars; one submission).

Submission:

GeneDx
Classification: Uncertain significance. Last evaluated: 2026-02-24. Review status: criteria provided, single submitter. Criteria: GeneDx Variant Classification Process June 2021. Collection method: clinical testing. Allele origin: germline.
Comment: Not observed at significant frequency in large population cohorts (gnomAD); Frameshift variant predicted to result in protein truncation or nonsense mediated decay in a gene or region of a gene for which loss of function is not a well-established mechanism of disease; Has not been previously published as pathogenic or benign to our knowledge